The following is an entry in ClinVar:

NM_032578.4(MYPN):c.718C>G (p.Gln240Glu)

Gene: MYPN (myopalladin; plus strand). Cytogenetic location: 10q21.3.
Variant type: single nucleotide variant.
Coding change: c.718C>G on transcript NM_032578.4 (MANE Select); coding-DNA position 718, C replaced by G.
Protein change: p.Gln240Glu; replaces glutamine 240 with glutamic acid.
Molecular consequence: missense variant. On other transcripts: 5 prime UTR variant (1), non-coding transcript variant (1).
Genome position (GRCh38, 1-based): chr10:68,122,156, C>G. VCF-style: chr10-68122156-C-G. GRCh37 (hg19) VCF-style: chr10-69881913-C-G.
Other names: c.718C>G (NM_032578.2); c.718C>G, p.Gln240Glu (NM_001256267.2); c.-405C>G (NM_001256268.2); short protein forms Q240E.
Identifiers: ClinVar variation 1383714 (VCV001383714.7), dbSNP rs1438075413, ClinGen allele CA377104975.
Genomic context (GRCh38, chr10:68,122,156, plus strand): 5'-AGGGATAATGAAGTGAATCACGCCCTGGAACAGCAGGAAGCCAAGAGGCGTGAAGCGGAG[C>G]AGGCTGCCAGTGAGGCGGCTGGTGGAGACACTACACCAGGGTCTTCCCCTTCATCTCTGT-3'
Protein context (NP_115967.2, residues 230-250): QQEAKRREAE[Gln240Glu]AASEAAGGDT

ClinVar aggregate classification (germline): Uncertain significance. Review status: criteria provided, multiple submitters, no conflicts (2 of 4 stars). 2 submissions from 2 submitters: Uncertain significance (2). Last evaluated 2026-03-12.

Conditions:
Cardiovascular phenotype. Identifiers: MedGen CN230736.
Dilated cardiomyopathy 1KK (CMD1KK). Identifiers: Orphanet 154, Orphanet 75249, MedGen C3714995, MONDO:0014100, OMIM 615248.

Allele frequency attached by ClinVar (database versions not stated): gnomAD exomes below 0.00001; TOPMed below 0.00001.
gnomAD v4.1: 1 of 1,612,038 alleles (0.000062%); highest among the groups gnomAD compares: East Asian, 0.0022%; no homozygotes.

Submissions (2):

Ambry Genetics
Classification: Uncertain significance for Cardiovascular phenotype. Last evaluated: 2026-03-12. Review status: criteria provided, single submitter. Criteria: Ambry Variant Classification Scheme 2023. Collection method: clinical testing. Allele origin: germline.
Comment: The p.Q240E variant (also known as c.718C>G), located in coding exon 1 of the MYPN gene, results from a C to G substitution at nucleotide position 718. The glutamine at codon 240 is replaced by glutamic acid, an amino acid with highly similar properties. This amino acid position is conserved. In addition, this alteration is predicted to be tolerated by in silico analysis. Based on the available evidence, the clinical significance of this variant remains unclear.

Labcorp Genetics (formerly Invitae), Labcorp
Classification: Uncertain significance for Dilated cardiomyopathy 1KK. Last evaluated: 2022-03-22. Review status: criteria provided, single submitter. Criteria: Invitae Variant Classification Sherloc (09022015). Collection method: clinical testing. Allele origin: germline.
Comment: This sequence change replaces glutamine, which is neutral and polar, with glutamic acid, which is acidic and polar, at codon 240 of the MYPN protein (p.Gln240Glu). This variant is not present in population databases (gnomAD no frequency). This variant has not been reported in the literature in individuals affected with MYPN-related conditions. Algorithms developed to predict the effect of missense changes on protein structure and function (SIFT, PolyPhen-2, Align-GVGD) all suggest that this variant is likely to be tolerated. In summary, the available evidence is currently insufficient to determine the role of this variant in disease. Therefore, it has been classified as a Variant of Uncertain Significance.